The following is an entry in ClinVar:

ClinVar aggregate classification (germline): Uncertain significance (1 of 4 stars; one submission).

Allele frequency attached by ClinVar (database versions not stated): ExAC 0.00001.
gnomAD v4.1: 6 of 1,613,952 alleles (0.00037%); highest among the groups gnomAD compares: Admixed American, 0.01%; no homozygotes.

Submission:

Labcorp Genetics (formerly Invitae), Labcorp
Classification: Uncertain significance. Last evaluated: 2025-02-03. Review status: criteria provided, single submitter. Criteria: Invitae Variant Classification Sherloc (09022015). Collection method: clinical testing. Allele origin: germline.
Comment: This sequence change replaces histidine, which is basic and polar, with tyrosine, which is neutral and polar, at codon 1824 of the MACF1 protein (p.His1824Tyr). This variant is present in population databases (rs760458101, gnomAD 0.003%). This variant has not been reported in the literature in individuals affected with MACF1-related conditions. ClinVar contains an entry for this variant (Variation ID: 1973577). An algorithm developed to predict the effect of missense changes on protein structure and function outputs the following: PolyPhen-2: "Benign". The tyrosine amino acid residue is found in multiple mammalian species, which suggests that this missense change does not adversely affect protein function. In summary, the available evidence is currently insufficient to determine the role of this variant in disease. Therefore, it has been classified as a Variant of Uncertain Significance.

NM_001394062.1(MACF1):c.11656C>T (p.His3886Tyr)

Gene: MACF1 (microtubule actin crosslinking factor 1; plus strand). Cytogenetic location: 1p34.3.
Variant type: single nucleotide variant.
Coding change: c.11656C>T on transcript NM_001394062.1 (MANE Select); coding-DNA position 11656, C replaced by T.
Protein change: p.His3886Tyr; replaces histidine 3886 with tyrosine.
Molecular consequence: missense variant.
Genome position (GRCh38, 1-based): chr1:39,357,606, C>T. VCF-style: chr1-39357606-C-T. GRCh37 (hg19) VCF-style: chr1-39823278-C-T.
Other names: c.5470C>T, p.His1824Tyr (NM_012090.5); short protein forms H3886Y, H1824Y.
Identifiers: ClinVar variation 1973577 (VCV001973577.5), dbSNP rs760458101, ClinGen allele CA781635.